The following is an entry in ClinVar:

ClinVar aggregate classification (germline): Uncertain significance (1 of 4 stars; one submission).

Submission:

Women's Health and Genetics/Laboratory Corporation of America, LabCorp
Classification: Uncertain significance. Last evaluated: 2025-12-24. Review status: criteria provided, single submitter. Criteria: LabCorp Variant Classification Summary - May 2015. Collection method: clinical testing. Allele origin: germline.
Comment: Variant summary: CDH23 c.946-3T>G alters a conserved nucleotide located close to a canonical splice site and therefore could affect mRNA splicing, leading to a significantly altered protein sequence. Several computational tools predict a significant impact on normal splicing: Three predict the variant abolishes a canonical 3' acceptor site. Four predict the variant creates a cryptic 3' acceptor site. However, these predictions have yet to be confirmed by functional studies. The variant was absent in 248578 control chromosomes. The available data on variant occurrences in the general population are insufficient to allow any conclusion about variant significance. To our knowledge, no occurrence of c.946-3T>G in individuals affected with CDH23-related conditions and no experimental evidence demonstrating its impact on protein function have been reported. No submitters have cited clinical-significance assessments for this variant to ClinVar. Based on the evidence outlined above, the variant was classified as uncertain significance.

NM_022124.6(CDH23):c.946-3T>G

Gene: CDH23 (cadherin related 23; plus strand). Cytogenetic location: 10q22.1.
Variant type: single nucleotide variant.
Coding change: c.946-3T>G on transcript NM_022124.6 (MANE Select); 3 bases into the intron before coding-DNA position 946, T replaced by G.
Molecular consequence: intron variant.
Genome position (GRCh38, 1-based): chr10:71,617,202, T>G. VCF-style: chr10-71617202-T-G. GRCh37 (hg19) VCF-style: chr10-73376959-T-G.
Other names: c.946-3T>G (NM_001171930.2, NM_001171931.2, NM_052836.4 and 1 more transcripts).
Identifiers: ClinVar variation 4688849 (VCV004688849.1).